The following is an entry in ClinVar:

NM_152564.5(VPS13B):c.11885C>A (p.Pro3962His)

Gene: VPS13B (vacuolar protein sorting 13 homolog B; plus strand). Cytogenetic location: 8q22.2.
Variant type: single nucleotide variant.
Coding change: c.11885C>A on transcript NM_152564.5 (MANE Select); coding-DNA position 11885, C replaced by A.
Protein change: p.Pro3962His; replaces proline 3962 with histidine.
Molecular consequence: missense variant.
Genome position (GRCh38, 1-based): chr8:99,875,557, C>A. VCF-style: chr8-99875557-C-A. GRCh37 (hg19) VCF-style: chr8-100887785-C-A.
Other names: c.11960C>A, p.Pro3987His (NM_017890.5); short protein forms P3962H.
Identifiers: ClinVar variation 167838 (VCV000167838.20), dbSNP rs531619892, ClinGen allele CA235254.

ClinVar aggregate classification (germline): Uncertain significance. Review status: criteria provided, multiple submitters, no conflicts (2 of 4 stars). 3 submissions from 3 submitters: Uncertain significance (2). 1 of the submissions does not count toward it. Last evaluated 2026-01-26.

Conditions:
Cohen syndrome (COH1). Also called: Cutis verticis gyrata, retinitis pigmentosa, and sensorineural deafness; PEPPER SYNDROME. Identifiers: Orphanet 193, MedGen C0265223, MONDO:0008999, OMIM 216550.

Allele frequency attached by ClinVar (database versions not stated): 1000 Genomes Project 0.00020; 1000 Genomes Project 30x 0.00016.
gnomAD v4.1: 8 of 1,614,186 alleles (0.0005%); highest among the groups gnomAD compares: Admixed American, 0.0017%; no homozygotes.

Submissions (3):

Labcorp Genetics (formerly Invitae), Labcorp
Classification: Uncertain significance for Cohen syndrome. Last evaluated: 2026-01-26. Review status: criteria provided, single submitter. Criteria: Invitae Variant Classification Sherloc (09022015). Collection method: clinical testing. Allele origin: germline.
Comment: This sequence change replaces proline with histidine at codon 3987 of the VPS13B protein (p.Pro3987His). The proline residue is moderately conserved and there is a moderate physicochemical difference between proline and histidine. This variant is present in population databases (rs531619892, gnomAD 0.004%). This variant has not been reported in the literature in individuals affected with VPS13B-related conditions. ClinVar contains an entry for this variant (Variation ID: 167838). Invitae Evidence Modeling of protein sequence and biophysical properties (such as structural, functional, and spatial information, amino acid conservation, physicochemical variation, residue mobility, and thermodynamic stability) has been performed for this missense variant. However, the output from this modeling did not meet the statistical confidence thresholds required to predict the impact of this variant on VPS13B protein function. In summary, the available evidence is currently insufficient to determine the role of this variant in disease. Therefore, it has been classified as a Variant of Uncertain Significance.

Eurofins Ntd Llc (ga)
Classification: Uncertain significance. Last evaluated: 2014-03-18. Review status: criteria provided, single submitter. Criteria: EGL Classification Definitions 2015. Collection method: clinical testing. Allele origin: germline. Observed: 1 variant allele, 1 heterozygote.

Natera, Inc.
Classification: Uncertain significance for Cohen syndrome. Last evaluated: 2019-11-11. Review status: no assertion criteria provided. Collection method: clinical testing. Allele origin: germline. Not counted in ClinVar's aggregate classification.